The following is an entry in ClinVar:

NM_000260.4(MYO7A):c.280dup (p.Ile94fs)

Gene: MYO7A (myosin VIIA; plus strand). Cytogenetic location: 11q13.5.
Variant type: Duplication.
Coding change: c.280dup on transcript NM_000260.4 (MANE Select); coding-DNA position 280, one base duplicated (A; older notation c.280dupA).
Protein change: p.Ile94fs; shifts the reading frame from isoleucine 94.
Molecular consequence: frameshift variant.
Genome position (GRCh38, 1-based): chr11:77,147,945, A duplicated. VCF-style (leftmost placement, unchanged base first): chr11-77147944-C-CA. GRCh37 (hg19) VCF-style: chr11-76858990-C-CA.
Other names: c.280dup, p.Ile94fs (NM_001127180.2); c.247dup, p.Ile83fs (NM_001369365.1); short protein forms I83fs, I94fs.
Identifiers: ClinVar variation 5012950 (VCV005012950.1).

ClinVar aggregate classification (germline): Pathogenic (1 of 4 stars; one submission).

Conditions:
Usher syndrome type 1 (USH1). Also called: RETINITIS PIGMENTOSA AND CONGENITAL DEAFNESS. Identifiers: Orphanet 231169, Orphanet 886, MedGen C1568247, MONDO:0010168, OMIM 276900.

Submission:

Myriad Genetics, Inc.
Classification: Pathogenic for Usher syndrome type 1. Last evaluated: 2024-04-24. Review status: criteria provided, single submitter. Criteria: Myriad Autosomal Dominant, Autosomal Recessive and X-Linked Classification Criteria (2023). Collection method: clinical testing. Allele origin: unknown.
Comment: NM_000260.3(MYO7A):c.280dupA(I94Nfs*46) is expected to be pathogenic in the context of MYO7A-related disorders. This variant is predicted to lead to an abnormal or absent protein product due to the creation of a premature termination codon in MYO7A, a gene where loss-of-function variants are known to be pathogenic. Please note: this variant was assessed in the context of healthy population screening.